The following is an entry in ClinVar:

NM_001371928.1(AHDC1):c.3470C>T (p.Thr1157Met)

Gene: AHDC1 (AT-hook DNA binding motif containing 1; minus strand). Cytogenetic location: 1p36.11.
Variant type: single nucleotide variant.
Coding change: c.3470C>T on transcript NM_001371928.1 (MANE Select); coding-DNA position 3470, C replaced by T.
Protein change: p.Thr1157Met; replaces threonine 1157 with methionine.
Molecular consequence: missense variant.
Genome position (GRCh38, 1-based): chr1:27,548,646, G>A on the plus strand (C>T on the coding strand, the complement: AHDC1 is on the minus strand). VCF-style: chr1-27548646-G-A. GRCh37 (hg19) VCF-style: chr1-27875157-G-A.
Other names: c.3470C>T, p.Thr1157Met (NM_001029882.3); c.-574C>T (NM_015699.1); short protein forms T1157M.
Identifiers: ClinVar variation 1804701 (VCV001804701.1), dbSNP rs752380037, ClinGen allele CA715555.

ClinVar aggregate classification (germline): Uncertain significance (1 of 4 stars; one submission).

Allele frequency attached by ClinVar (database versions not stated): gnomAD exomes 0.00001; TOPMed 0.00001; ExAC 0.00002.
gnomAD v4.1: 14 of 1,613,442 alleles (0.00087%); highest among the groups gnomAD compares: Admixed American, 0.0033%; no homozygotes.

Submission:

Women's Health and Genetics/Laboratory Corporation of America, LabCorp
Classification: Uncertain significance. Last evaluated: 2022-11-09. Review status: criteria provided, single submitter. Criteria: LabCorp Variant Classification Summary - May 2015. Collection method: clinical testing. Allele origin: germline.
Comment: Variant summary: AHDC1 c.3470C>T (p.Thr1157Met) results in a non-conservative amino acid change in the encoded protein sequence. Four of five in-silico tools predict a damaging effect of the variant on protein function. The variant allele was found at a frequency of 2e-05 in 250962 control chromosomes (gnomAD). The available data on variant occurrences in the general population are insufficient to allow any conclusion about variant significance. To our knowledge, no occurrence of c.3470C>T in individuals affected with Xia-Gibbs Syndrome and no experimental evidence demonstrating its impact on protein function have been reported. No clinical diagnostic laboratories have submitted clinical-significance assessments for this variant to ClinVar after 2014. Based on the evidence outlined above, the variant was classified as uncertain significance.